The following is an entry in ClinVar:

NM_182931.3(KMT2E):c.670A>C (p.Asn224His)

Gene: KMT2E (lysine methyltransferase 2E (inactive); plus strand). Cytogenetic location: 7q22.3.
Variant type: single nucleotide variant.
Coding change: c.670A>C on transcript NM_182931.3 (MANE Select); coding-DNA position 670, A replaced by C.
Protein change: p.Asn224His; replaces asparagine 224 with histidine.
Molecular consequence: missense variant.
Genome position (GRCh38, 1-based): chr7:105,074,756, A>C. VCF-style: chr7-105074756-A-C. GRCh37 (hg19) VCF-style: chr7-104715203-A-C.
Other names: c.670A>C, p.Asn224His (NM_018682.4); short protein forms N224H.
Identifiers: ClinVar variation 1184323 (VCV001184323.1), dbSNP rs2129567977, ClinGen allele CA368776132.

ClinVar aggregate classification (germline): Uncertain significance (1 of 4 stars; one submission).

Conditions:
O'Donnell-Luria-Rodan syndrome (ODLURO). Also called: KMT2E-Related Neurodevelopmental Disorder. Identifiers: MedGen C5193138, MONDO:0032793, OMIM 618512.

Allele frequency attached by ClinVar (database versions not stated): gnomAD exomes below 0.00001.
gnomAD v4.1: 1 of 1,610,446 alleles (0.000062%); highest among the groups gnomAD compares: Middle Eastern, 0.017%; no homozygotes.

Submission:

New York Genome Center
Classification: Uncertain significance for O'Donnell-Luria-Rodan syndrome. Last evaluated: 2020-07-03. Review status: criteria provided, single submitter. Criteria: NYGC Assertion Criteria 2020. Collection method: clinical testing. Allele origin: inherited. Observed: 1 heterozygote. Study: CSER-NYCKidSeq.
Comment: The inherited c.670A>C (p.Asn224His) variant identified in the KMT2E gene substitutes a well conserved Asparagine for Histidine at amino acid 224/1859 (exon 8/27). This variant is absent from gnomAD suggesting it is not a common benign variant in the populations represented in that database. In silico algorithms do not agree on the effect of this variant, as it is predicted both Neutral (Provean; score:-1.99) and Damaging (SIFT; score:0.019) to the function of the canonical transcript. This variant is absent from ClinVar and to our current knowledge has not been reported in affected individuals in the literature. The p.Asn224 residue is not within a mapped domain of KMT2E (UniProtKB:Q8IZD2). Given the lack of compelling evidence for its pathogenicity, the inherited c.670A>C (p.Asn224His) variant identified in the KMT2E gene is reported as a Variant of Uncertain Significance.